The following is an entry in ClinVar:

NM_001166108.2(PALLD):c.3095A>G (p.Lys1032Arg)

Genes: CBR4 (carbonyl reductase 4; minus strand), PALLD (palladin, cytoskeletal associated protein; plus strand). Cytogenetic location: 4q32.3.
Variant type: single nucleotide variant.
Coding change: c.3095A>G on transcript NM_001166108.2 (MANE Select); coding-DNA position 3095, A replaced by G.
Protein change: p.Lys1032Arg; replaces lysine 1032 with arginine.
Molecular consequence: missense variant.
Genome position (GRCh38, 1-based): chr4:168,924,291, A>G. VCF-style: chr4-168924291-A-G. GRCh37 (hg19) VCF-style: chr4-169845442-A-G.
Other names: c.1898A>G, p.Lys633Arg (NM_001166109.2); c.1583A>G, p.Lys528Arg (NM_001166110.2); c.923A>G, p.Lys308Arg (NM_001367567.1, NM_001367569.1); c.974A>G, p.Lys325Arg (NM_001367568.1, NM_001367570.1); c.3044A>G, p.Lys1015Arg (NM_016081.4); short protein forms K308R, K1015R, K528R, K633R, K1032R, K325R.
Identifiers: ClinVar variation 2563434 (VCV002563434.2), dbSNP rs2534251061, ClinGen allele CA358711885.

ClinVar aggregate classification (germline): Uncertain significance (1 of 4 stars; one submission).

Submission:

Ambry Genetics
Classification: Uncertain significance. Last evaluated: 2023-06-08. Review status: criteria provided, single submitter. Criteria: Ambry Variant Classification Scheme 2023. Collection method: clinical testing. Allele origin: germline.
Comment: The p.K1015R variant (also known as c.3044A>G), located in coding exon 17 of the PALLD gene, results from an A to G substitution at nucleotide position 3044. The lysine at codon 1015 is replaced by arginine, an amino acid with highly similar properties. This amino acid position is conserved. In addition, the in silico prediction for this alteration is inconclusive. Since supporting evidence is limited at this time, the clinical significance of this alteration remains unclear.